The following is an entry in ClinVar:

NM_000206.3(IL2RG):c.720G>T (p.Trp240Cys)

Gene: IL2RG (interleukin 2 receptor subunit gamma; minus strand). Cytogenetic location: Xq13.1.
Variant type: single nucleotide variant.
Coding change: c.720G>T on transcript NM_000206.3 (MANE Select); coding-DNA position 720, G replaced by T.
Protein change: p.Trp240Cys; replaces tryptophan 240 with cysteine.
Molecular consequence: missense variant.
Genome position (GRCh38, 1-based): chrX:71,109,265, C>A on the plus strand (G>T on the coding strand, the complement: IL2RG is on the minus strand). VCF-style: chrX-71109265-C-A. GRCh37 (hg19) VCF-style: chrX-70329115-C-A.
Other names: short protein forms W240C.
Identifiers: ClinVar variation 3720951 (VCV003720951.2).

ClinVar aggregate classification (germline): Uncertain significance (1 of 4 stars; one submission).

Conditions:
X-linked severe combined immunodeficiency (SCIDX1). Also called: IMMUNODEFICIENCY 4; SCID, X-LINKED; SEVERE COMBINED IMMUNODEFICIENCY, X-LINKED, T CELL-NEGATIVE, B CELL-POSITIVE, NK CELL-NEGATIVE; X-Linked Combined Immunodeficiency Diseases; T-B+ severe combined immunodeficiency due to gamma chain deficiency. Identifiers: Orphanet 276, MedGen C6022468, MONDO:0010315, OMIM 300400. Disease mechanism: loss of function.

Submission:

Labcorp Genetics (formerly Invitae), Labcorp
Classification: Uncertain significance for X-linked severe combined immunodeficiency. Last evaluated: 2024-12-16. Review status: criteria provided, single submitter. Criteria: Invitae Variant Classification Sherloc (09022015). Collection method: clinical testing. Allele origin: germline.
Comment: This sequence change replaces tryptophan, which is neutral and slightly polar, with cysteine, which is neutral and slightly polar, at codon 240 of the IL2RG protein (p.Trp240Cys). This variant is not present in population databases (gnomAD no frequency). This missense change has been observed in individual(s) with severe combined immunodeficiency (PMID: 8299698). This variant is also known as Trp218Cys. Invitae Evidence Modeling of protein sequence and biophysical properties (such as structural, functional, and spatial information, amino acid conservation, physicochemical variation, residue mobility, and thermodynamic stability) indicates that this missense variant is expected to disrupt IL2RG protein function with a positive predictive value of 95%. In summary, the available evidence is currently insufficient to determine the role of this variant in disease. Therefore, it has been classified as a Variant of Uncertain Significance.

Literature cited by the submitters: PubMed 8299698.